The following is an entry in ClinVar:

ClinVar aggregate classification (germline): Conflicting classifications of pathogenicity. Review status: criteria provided, conflicting classifications (1 of 4 stars). 2 submissions from 2 submitters: Pathogenic (1); Uncertain significance (1). Last evaluated 2024-01-23.

Conditions:
MAB21L1-related disorders.

Submissions (2):

Blueprint Genetics
Classification: Pathogenic for MAB21L1-related disorders. Last evaluated: 2024-01-23. Review status: criteria provided, single submitter. Criteria: ACMG Guidelines, 2015. Collection method: clinical testing. Allele origin: germline. Affected: yes. Observed: 3 variant alleles.

CeGaT Center for Human Genetics Tuebingen
Classification: Uncertain significance. Last evaluated: 2022-11-01. Review status: criteria provided, single submitter. Criteria: CeGaT Center For Human Genetics Tuebingen Variant Classification Criteria Version 2. Collection method: clinical testing. Allele origin: germline. Affected: yes. Observed: 1 variant allele.
Comment: MAB21L1: PM2, PS3:Supporting, PS4:Supporting

NM_005584.5(MAB21L1):c.152G>T (p.Arg51Leu)

Genes: MAB21L1 (mab-21 like 1; minus strand), NBEA (neurobeachin; plus strand). Cytogenetic location: 13q13.3.
Variant type: single nucleotide variant.
Coding change: c.152G>T on transcript NM_005584.5 (MANE Select); coding-DNA position 152, G replaced by T.
Protein change: p.Arg51Leu; replaces arginine 51 with leucine.
Molecular consequence: missense variant. On other transcripts: intron variant (3).
Genome position (GRCh38, 1-based): chr13:35,475,987, C>A on the plus strand (G>T on the coding strand, the complement: MAB21L1 is on the minus strand). VCF-style: chr13-35475987-C-A. GRCh37 (hg19) VCF-style: chr13-36050124-C-A.
Other names: c.6585+3451C>A (NM_001385012.1, NM_015678.5); c.6576+3451C>A (NM_001379245.1); short protein forms R51L.
Identifiers: ClinVar variation 1879253 (VCV001879253.30), dbSNP rs2549594379, ClinGen allele CA387988059.
Genomic context (GRCh38, chr13:35,475,987, plus strand): 5'-GGGGAGATGACCTCGAGGCCCTCGTAGCGATTGTCCATCTCGTTGAGAGAGCTGATGAAC[C>A]GCGGCTCCTGCACTTCCACTTCCTTCAGTACGTCGGAAACTACTTTGCAGACTTCCCGGA-3'
Protein context (NP_005575.1, residues 41-61): VLKEVEVQEP[Arg51Leu]FISSLNEMDN